The following is an entry in ClinVar:

NM_000256.3(MYBPC3):c.2716G>A (p.Val906Met)

Gene: MYBPC3 (myosin binding protein C3; minus strand). Cytogenetic location: 11p11.2.
Variant type: single nucleotide variant.
Coding change: c.2716G>A on transcript NM_000256.3 (MANE Select); coding-DNA position 2716, G replaced by A.
Protein change: p.Val906Met; replaces valine 906 with methionine.
Molecular consequence: missense variant.
Genome position (GRCh38, 1-based): chr11:47,335,898, C>T on the plus strand (G>A on the coding strand, the complement: MYBPC3 is on the minus strand). VCF-style: chr11-47335898-C-T. GRCh37 (hg19) VCF-style: chr11-47357449-C-T.
Other names: c.2716G>A, p.Val906Met (LRG_386t1); short protein forms V906M.
Identifiers: ClinVar variation 418355 (VCV000418355.21), dbSNP rs774634021, ClinGen allele CA051400.

ClinVar aggregate classification (germline): Uncertain significance. Review status: criteria provided, multiple submitters, no conflicts (2 of 4 stars). 7 submissions from 7 submitters: Uncertain significance (7). Last evaluated 2026-01-11.

Conditions:
MYBPC3-related disorder. Also called: MYBPC3-related disorders; MYBPC3-related condition; MYBPC3-related disease.
Cardiovascular phenotype. Identifiers: MedGen CN230736.
Cardiomyopathy (CMYO). Also called: Cardiomyopathies. Identifiers: Orphanet 167848, MedGen C0878544, MONDO:0004994, HP:0001638. Inheritance: Various modes of inheritance.
Hypertrophic cardiomyopathy. Also called: HYPERTROPHIC MYOCARDIOPATHY. Identifiers: Orphanet 217569, MedGen C0007194, MeSH D002312, MONDO:0005045, HP:0001639.

Allele frequency attached by ClinVar (database versions not stated): gnomAD exomes 0.00001 and 0.00003; TOPMed 0.00001; ExAC 0.00012; gnomAD 0.00001.
gnomAD v4.1: 13 of 1,536,140 alleles (0.00085%); highest among the groups gnomAD compares: Middle Eastern, 0.018%; no homozygotes.

Submissions (7):

Labcorp Genetics (formerly Invitae), Labcorp
Classification: Uncertain significance for Hypertrophic cardiomyopathy. Last evaluated: 2026-01-11. Review status: criteria provided, single submitter. Criteria: Invitae Variant Classification Sherloc (09022015). Collection method: clinical testing. Allele origin: germline.
Comment: This sequence change replaces valine, which is neutral and non-polar, with methionine, which is neutral and non-polar, at codon 906 of the MYBPC3 protein (p.Val906Met). The frequency data for this variant in the population databases is considered unreliable, as metrics indicate poor data quality at this position in the gnomAD database. This missense change has been observed in individual(s) with hypertrophic cardiomyopathy (PMID: 37652022). ClinVar contains an entry for this variant (Variation ID: 418355). An algorithm developed to predict the effect of missense changes on protein structure and function (PolyPhen-2) suggests that this variant is likely to be tolerated. In summary, the available evidence is currently insufficient to determine the role of this variant in disease. Therefore, it has been classified as a Variant of Uncertain Significance.

PreventionGenetics, part of Exact Sciences
Classification: Uncertain significance for MYBPC3-related condition. Last evaluated: 2025-12-03. Review status: criteria provided, single submitter. Criteria: ACMG Guidelines, 2015. Collection method: clinical testing. Allele origin: germline.
Comment: The MYBPC3 c.2716G>A variant is predicted to result in the amino acid substitution p.Val906Met. This variant has been reported with uncertain significance in a cohort study of hypertrophic cardiomyopathy (Table S8, McGurk et al. 2023. PubMed ID: 37652022). This variant is reported in 0.010% of alleles in individuals of East Asian descent in gnomAD. At this time, the clinical significance of this variant is uncertain due to the absence of conclusive functional and genetic evidence.

Ambry Genetics
Classification: Uncertain significance for Cardiovascular phenotype. Last evaluated: 2025-08-18. Review status: criteria provided, single submitter. Criteria: Ambry Variant Classification Scheme 2023. Collection method: clinical testing. Allele origin: germline.
Comment: The p.V906M variant (also known as c.2716G>A), located in coding exon 26 of the MYBPC3 gene, results from a G to A substitution at nucleotide position 2716. The valine at codon 906 is replaced by methionine, an amino acid with highly similar properties. This alteration has been reported in a whole exome sequencing cohort; however, clinical details were limited (Park J et al. Nat Med, 2021 01;27:66-72). This amino acid position is well conserved in available vertebrate species. In addition, the in silico prediction for this alteration is inconclusive. Since supporting evidence is limited at this time, the clinical significance of this alteration remains unclear.

Dasa
Classification: Uncertain significance. Last evaluated: 2025-05-03. Review status: criteria provided, single submitter. Criteria: DASA Assertion Criteria. Collection method: clinical testing. Allele origin: germline.
Comment: NM_000256.3(MYBPC3):c.2716G>A (p.Val906Met) is a missense variant that results in the substitution of valine with methionine. This variant is rare in population databases. The currently available literature and clinical evidence are not sufficient to establish a definitive association between this variant and the reported condition. Therefore, this variant is classified as a variant of uncertain significance.

All of Us Research Program, National Institutes of Health
Classification: Uncertain significance for Hypertrophic cardiomyopathy. Last evaluated: 2024-07-10. Review status: criteria provided, single submitter. Criteria: ACMG Guidelines, 2015. Collection method: clinical testing. Allele origin: germline. Inheritance: Autosomal dominant inheritance. Observed: 11 variant alleles, 11 heterozygotes.
Comment: This missense variant replaces valine with methionine at codon 906 of the MYBPC3 protein. Computational prediction is inconclusive regarding the impact of this variant on protein structure and function (internally defined REVEL score threshold 0.5 < inconclusive < 0.7, PMID: 27666373). To our knowledge, functional studies have not been reported for this variant. This variant has not been reported in individuals affected with MYBPC3-related disorders in the literature. This variant has been identified in 4/149464 chromosomes in the general population by the Genome Aggregation Database (gnomAD). The available evidence is insufficient to determine the role of this variant in disease conclusively. Therefore, this variant is classified as a Variant of Uncertain Significance.

This study involves interpretation of variants in research participants for the purpose of population health screening. Participant phenotype was not available at the time of variant classification. Additional details can be found in publication PMID: 35346344, PMCID: PMC8962531

GeneDx
Classification: Uncertain significance. Last evaluated: 2024-06-11. Review status: criteria provided, single submitter. Criteria: GeneDx Variant Classification Process June 2021. Collection method: clinical testing. Allele origin: germline. Affected: yes.
Comment: Identified in patients with HCM or DCM referred for genetic testing at GeneDx and in published literature (PMID: 37652022); In silico analysis indicates that this missense variant does not alter protein structure/function; This variant is associated with the following publications: (PMID: 37652022, 33432171)

Color Diagnostics, LLC DBA Color Health
Classification: Uncertain significance for Cardiomyopathy. Last evaluated: 2024-04-21. Review status: criteria provided, single submitter. Criteria: ACMG Guidelines, 2015. Collection method: clinical testing. Allele origin: germline.
Comment: This missense variant replaces valine with methionine at codon 906 of the MYBPC3 protein. Computational prediction tools indicate that this variant has a deleterious impact on protein structure and function. To our knowledge, functional studies have not been reported for this variant. This variant has not been reported in individuals affected with MYBPC3-related disorders in the literature. This variant has been identified in 4/149464 chromosomes in the general population by the Genome Aggregation Database (gnomAD). The available evidence is insufficient to determine the role of this variant in disease conclusively. Therefore, this variant is classified as a Variant of Uncertain Significance.

Literature cited by the submitters: PubMed 37652022 (cited by Labcorp Genetics (formerly Invitae), Labcorp); PubMed 33432171 (cited by Ambry Genetics).